The following is an entry in ClinVar:

ClinVar aggregate classification (germline): Pathogenic (1 of 4 stars; one submission).

Submission:

GeneDx
Classification: Pathogenic. Last evaluated: 2018-05-11. Review status: criteria provided, single submitter. Criteria: GeneDx Variant Classification (06012015). Collection method: clinical testing. Allele origin: germline. Affected: yes.
Comment: The c.1668 G>A nucleotide substitution, resulting in the W556X nonsense variant in this individual, has not been reported previously as a pathogenic or benign variant to our knowledge. This variant is predicted to cause loss of normal protein function either through protein truncation or nonsense-mediated mRNA decay. The W556X variant is not observed in large population cohorts (Lek et al., 2016). We interpret W556X as a pathogenic variant.

NM_005629.4(SLC6A8):c.1668G>A (p.Trp556Ter)

Gene: SLC6A8 (solute carrier family 6 member 8; plus strand). Cytogenetic location: Xq28.
Variant type: single nucleotide variant.
Coding change: c.1668G>A on transcript NM_005629.4 (MANE Select); coding-DNA position 1668, G replaced by A.
Protein change: p.Trp556Ter; replaces tryptophan 556 with a stop codon.
Molecular consequence: nonsense.
Genome position (GRCh38, 1-based): chrX:153,694,790, G>A. VCF-style: chrX-153694790-G-A. GRCh37 (hg19) VCF-style: chrX-152960245-G-A.
Other names: c.1638G>A, p.Trp546Ter (NM_001142805.2); c.1323G>A, p.Trp441Ter (NM_001142806.1); short protein forms W556*, W546*, W441*.
Identifiers: ClinVar variation 546017 (VCV000546017.2), dbSNP rs1557045704, ClinGen allele CA415090812.